The following is an entry in ClinVar:

ClinVar aggregate classification (germline): Benign/Likely benign. Review status: criteria provided, multiple submitters, no conflicts (2 of 4 stars). 5 submissions from 5 submitters: Benign (2); Likely benign (2). 1 of the submissions does not count toward it. Last evaluated 2026-01-31.

Conditions:
IDH3A-related disorder. Also called: IDH3A-related condition.

Allele frequency attached by ClinVar (database versions not stated): 1000 Genomes Project 30x 0.00265; 1000 Genomes Project 0.00280; gnomAD 0.00453 and 0.00455; gnomAD exomes 0.00460; TOPMed 0.00472; ESP Exome Variant Server 0.00478; ExAC 0.00479.
gnomAD v4.1: 10,143 of 1,614,136 alleles (0.63%); highest among the groups gnomAD compares: Non-Finnish European, 0.77%; 39 homozygotes.

Submissions (5):

Labcorp Genetics (formerly Invitae), Labcorp
Classification: Benign. Last evaluated: 2026-01-31. Review status: criteria provided, single submitter. Criteria: Invitae Variant Classification Sherloc (09022015). Collection method: clinical testing. Allele origin: germline.

Blueprint Genetics
Classification: Likely benign. Last evaluated: 2024-11-22. Review status: criteria provided, single submitter. Criteria: ACMG Guidelines, 2015. Collection method: clinical testing. Allele origin: germline.

CeGaT Center for Human Genetics Tuebingen
Classification: Likely benign. Last evaluated: 2023-09-01. Review status: criteria provided, single submitter. Criteria: CeGaT Center For Human Genetics Tuebingen Variant Classification Criteria Version 2. Collection method: clinical testing. Allele origin: germline. Affected: yes. Observed: 1 variant allele.
Comment: IDH3A: BS2

Breakthrough Genomics
Classification: Benign. Review status: criteria provided, single submitter. Criteria: ACMG Guidelines, 2015. Collection method: not provided. Allele origin: germline. Inheritance: Autosomal recessive inheritance. Affected: yes.

PreventionGenetics, part of Exact Sciences
Classification: Benign for IDH3A-related condition. Last evaluated: 2019-07-18. Review status: no assertion criteria provided. Collection method: clinical testing. Allele origin: germline. Not counted in ClinVar's aggregate classification.
Comment: This variant is classified as benign based on ACMG/AMP sequence variant interpretation guidelines (Richards et al. 2015 PMID: 25741868, with internal and published modifications).

NM_005530.3(IDH3A):c.417T>A (p.Asp139Glu)

Gene: IDH3A (isocitrate dehydrogenase (NAD(+)) 3 catalytic subunit alpha; plus strand). Cytogenetic location: 15q25.1.
Variant type: single nucleotide variant.
Coding change: c.417T>A on transcript NM_005530.3 (MANE Select); coding-DNA position 417, T replaced by A.
Protein change: p.Asp139Glu; replaces aspartic acid 139 with glutamic acid.
Molecular consequence: missense variant.
Genome position (GRCh38, 1-based): chr15:78,161,708, T>A. VCF-style: chr15-78161708-T-A. GRCh37 (hg19) VCF-style: chr15-78454050-T-A.
Other names: short protein forms D139E.
Identifiers: ClinVar variation 719655 (VCV000719655.37), dbSNP rs61752770, ClinGen allele CA7680563.
Genomic context (GRCh38, chr15:78,161,708, plus strand): 5'-CCTTTACGCGAATGTCCGACCATGTGTCTCTATCGAAGGCTATAAAACCCCTTACACCGA[T>A]GTAAATATTGTGACCATTCGAGAGAACACAGAAGGAGAATACAGTGGAATTGAGCATGTG-3'
Protein context (NP_005521.1, residues 129-149): SIEGYKTPYT[Asp139Glu]VNIVTIRENT